The following is an entry in ClinVar:

NM_021629.4(GNB4):c.572_575del (p.Leu190_Ser191insTer)

Gene: GNB4 (G protein subunit beta 4; minus strand). Cytogenetic location: 3q26.33.
Variant type: Microsatellite.
Coding change: c.572_575del on transcript NM_021629.4 (MANE Select); coding-DNA positions 572 to 575, 4 bases deleted (CTTT; older notation c.572_575delCTTT).
Protein change: p.Leu190_Ser191insTer.
Molecular consequence: nonsense.
Genome position (GRCh38, 1-based): chr3:179,413,536-179,413,539, AAAG deleted on the plus strand (CTTT on the coding strand, the reverse complement: GNB4 is on the minus strand); deleting any 4 consecutive bases within chr3:179,413,536-179,413,544 gives the same sequence; the c. name uses the placement nearest the transcript's 3' end. VCF-style (leftmost placement, unchanged base first): chr3-179413535-CAAAG-C. GRCh37 (hg19) VCF-style: chr3-179131323-CAAAG-C.
Identifiers: ClinVar variation 2881818 (VCV002881818.3), dbSNP rs756429902, ClinGen allele CA88745589.

ClinVar aggregate classification (germline): Uncertain significance (1 of 4 stars; one submission).

Conditions:
Charcot-Marie-Tooth disease dominant intermediate F. Identifiers: Orphanet 352670, MedGen C4749463, MONDO:0014074, OMIM 615185.

Submission:

Labcorp Genetics (formerly Invitae), Labcorp
Classification: Uncertain significance for Charcot-Marie-Tooth disease dominant intermediate F. Last evaluated: 2023-06-16. Review status: criteria provided, single submitter. Criteria: Invitae Variant Classification Sherloc (09022015). Collection method: clinical testing. Allele origin: germline.
Comment: In summary, the available evidence is currently insufficient to determine the role of this variant in disease. Therefore, it has been classified as a Variant of Uncertain Significance. This variant has not been reported in the literature in individuals affected with GNB4-related conditions. This variant is not present in population databases (gnomAD no frequency). This sequence change creates a premature translational stop signal (p.Ser191*) in the GNB4 gene. It is expected to result in an absent or disrupted protein product. However, the current clinical and genetic evidence is not sufficient to establish whether loss-of-function variants in GNB4 cause disease.